The following is an entry in ClinVar:

NM_024675.4(PALB2):c.212-70T>C

Gene: PALB2 (partner and localizer of BRCA2; minus strand). Cytogenetic location: 16p12.2.
Variant type: single nucleotide variant.
Coding change: c.212-70T>C on transcript NM_024675.4 (MANE Select); 70 bases into the intron before coding-DNA position 212, T replaced by C.
Molecular consequence: intron variant.
Genome position (GRCh38, 1-based): chr16:23,636,404, A>G on the plus strand (T>C on the coding strand, the complement: PALB2 is on the minus strand). VCF-style: chr16-23636404-A-G. GRCh37 (hg19) VCF-style: chr16-23647725-A-G.
Identifiers: ClinVar variation 126636 (VCV000126636.3), dbSNP rs515726080, ClinGen allele CA269521.

ClinVar aggregate classification (germline): Likely benign (0 of 4 stars; one submission).

Conditions:
Familial cancer of breast. Also called: BREAST CANCER, FAMILIAL; hereditary breast carcinoma; Hereditary breast cancer. Identifiers: Orphanet 227535, MedGen C0346153, MONDO:0016419, OMIM 114480. Disease mechanism: loss of function.

Allele frequency attached by ClinVar (database versions not stated): TOPMed 0.00001; gnomAD exomes 0.00008; gnomAD 0.00013 and 0.00014.
gnomAD v4.1: 89 of 1,024,070 alleles (0.0087%); highest among the groups gnomAD compares: South Asian, 0.0017%; no homozygotes.

Submission:

Leiden Open Variation Database
Classification: Likely benign for Familial cancer of breast. Last evaluated: 2019-05-13. Review status: no assertion criteria provided. Collection method: curation. Allele origin: germline. Affected: yes.
Comment: Curators: Marc Tischkowitz, Arleen D. Auerbach. Submitter to LOVD: Marc Tischkowitz.

Literature cited by the submitters: PubMed 22241545.